The following is an entry in ClinVar:

NM_002437.5(MPV17):c.185del (p.Val62fs)

Gene: MPV17 (mitochondrial inner membrane protein MPV17; minus strand). Cytogenetic location: 2p23.3.
Variant type: Deletion.
Coding change: c.185del on transcript NM_002437.5 (MANE Select); coding-DNA position 185, one base deleted (T; older notation c.185delT).
Protein change: p.Val62fs; shifts the reading frame from valine 62.
Molecular consequence: frameshift variant.
Genome position (GRCh38, 1-based): chr2:27,312,995, A deleted on the plus strand (T on the coding strand, the reverse complement: MPV17 is on the minus strand). VCF-style (leftmost placement, unchanged base first): chr2-27312994-CA-C. GRCh37 (hg19) VCF-style: chr2-27535861-CA-C.
Other names: c.185delT (NM_002437.4); short protein forms V62fs.
Identifiers: ClinVar variation 808716 (VCV000808716.53), dbSNP rs755624411, ClinGen allele CA1575654.
Genomic context (GRCh38, chr2:27,312,994, plus strand): 5'-ATGGCAAAGAACTAAGACCACTGTTGAGTCCACTGAAGCCCTGTTGAGGGGAGAACTTAC[CA>C]CAAAGCCACAGCCCAGGGACACCATGGTCAGAGTCCGGCCTCTCTGGTGTTCCTGCAGAC-3'

ClinVar aggregate classification (germline): Pathogenic. Review status: criteria provided, multiple submitters, no conflicts (2 of 4 stars). 5 submissions from 5 submitters: Pathogenic (5). Last evaluated 2025-05-12.

Conditions:
Mitochondrial DNA depletion syndrome, hepatocerebral form. Identifiers: Orphanet 254871, MedGen C3711385, MONDO:0100512.
MPV17-related disorder. Also called: MPV17-related condition; MPV17-related disorders. Identifiers: MedGen CN239328.

Allele frequency attached by ClinVar (database versions not stated): gnomAD exomes below 0.00001; ExAC 0.00001.

Submissions (5):

Natera, Inc.
Classification: Pathogenic for Mitochondrial DNA depletion syndrome, hepatocerebral form. Last evaluated: 2025-05-12. Review status: criteria provided, single submitter. Criteria: Natera Variant Classification Schema (03/2026). Collection method: clinical testing. Allele origin: germline.
Comment: The c.185delT variant in MPV17 is a frameshift variant predicted to shift the reading frame beginning at codon 62 and leads to a stop codon 5 codons downstream. This variant is expected to result in nonsense mediated decay, truncation, or a dysfunctional protein product. This variant is rare in the general population with a frequency below the threshold expected for the associated phenotype(s). This variant has been observed in one or more individuals affected with the associated recessive disease, as either homozygous or compound heterozygous with a second variant (PMID: 33486010). Given the available evidence, this variant is classified as Pathogenic.

CeGaT Center for Human Genetics Tuebingen
Classification: Pathogenic. Last evaluated: 2025-03-01. Review status: criteria provided, single submitter. Criteria: CeGaT Center For Human Genetics Tuebingen Variant Classification Criteria Version 2. Collection method: clinical testing. Allele origin: germline. Affected: yes. Observed: 2 variant alleles.
Comment: MPV17: PVS1, PM2

Blueprint Genetics
Classification: Pathogenic for MPV17-related disorders. Last evaluated: 2022-09-06. Review status: criteria provided, single submitter. Criteria: ACMG Guidelines, 2015. Collection method: clinical testing. Allele origin: germline. Affected: yes. Observed: 1 variant allele.

Revvity Omics, Revvity
Classification: Pathogenic. Last evaluated: 2021-02-24. Review status: criteria provided, single submitter. Criteria: ACMG Guidelines, 2015. Collection method: clinical testing. Allele origin: germline.

Labcorp Genetics (formerly Invitae), Labcorp
Classification: Pathogenic. Last evaluated: 2020-11-22. Review status: criteria provided, single submitter. Criteria: Invitae Variant Classification Sherloc (09022015). Collection method: clinical testing. Allele origin: germline.
Comment: This sequence change creates a premature translational stop signal (p.Val62Glyfs*5) in the MPV17 gene. It is expected to result in an absent or disrupted protein product. Loss-of-function variants in MPV17 are known to be pathogenic (PMID: 23714749). This variant is present in population databases (rs755624411, ExAC 0.001%). This variant has not been reported in the literature in individuals with MPV17-related conditions. ClinVar contains an entry for this variant (Variation ID: 808716). For these reasons, this variant has been classified as Pathogenic.

Literature cited by the submitters: PubMed 33486010 (cited by Natera, Inc.); PubMed 23714749 (cited by Labcorp Genetics (formerly Invitae), Labcorp).